The following is an entry in ClinVar:

ClinVar aggregate classification (germline): Uncertain significance (1 of 4 stars; one submission).

Submission:

Labcorp Genetics (formerly Invitae), Labcorp
Classification: Uncertain significance. Last evaluated: 2025-12-20. Review status: criteria provided, single submitter. Criteria: Invitae Variant Classification Sherloc (09022015). Collection method: clinical testing. Allele origin: germline.
Comment: This variant, c.192_206del, results in the deletion of 5 amino acid(s) of the NUP62 protein (p.Pro67_Thr71del), but otherwise preserves the integrity of the reading frame. This variant is present in population databases (rs751264947, gnomAD 0.03%). This variant has not been reported in the literature in individuals affected with NUP62-related conditions. ClinVar contains an entry for this variant (Variation ID: 2085625). Experimental studies and prediction algorithms are not available or were not evaluated, and the functional significance of this variant is currently unknown. In summary, the available evidence is currently insufficient to determine the role of this variant in disease. Therefore, it has been classified as a Variant of Uncertain Significance.

NM_016553.5(NUP62):c.192_206del (p.Pro67_Thr71del)

Genes: IL4I1 (interleukin 4 induced 1; minus strand), NUP62 (nucleoporin 62; minus strand). Cytogenetic location: 19q13.33.
Variant type: Deletion.
Coding change: c.192_206del on transcript NM_016553.5 (MANE Select); coding-DNA positions 192 to 206, 15 bases deleted (CCAGACTCCGGCCAC).
Protein change: p.Pro67_Thr71del.
Molecular consequence: inframe deletion. On other transcripts: intron variant (3).
Genome position (GRCh38, 1-based): chr19:49,909,602-49,909,616, GTGGCCGGAGTCTGG deleted on the plus strand (CCAGACTCCGGCCAC on the coding strand, the reverse complement: NUP62 is on the minus strand); deleting any 15 consecutive bases within chr19:49,909,602-49,909,621 gives the same sequence; the c. name uses the placement nearest the transcript's 3' end. VCF-style (leftmost placement, unchanged base first): chr19-49909601-TGTGGCCGGAGTCTGG-T. GRCh37 (hg19) VCF-style: chr19-50412858-TGTGGCCGGAGTCTGG-T.
Other names: c.192_206del, p.Pro67_Thr71del (NM_001193357.2, NM_012346.5, NM_153718.4 and 1 more transcripts); c.-227-5295_-227-5281del (NM_001258017.2, NM_172374.3); c.-285-5295_-285-5281del (NM_001258018.2).
Identifiers: ClinVar variation 2085625 (VCV002085625.3), dbSNP rs751264947, ClinGen allele CA9589186.
Genomic context (GRCh38, chr19:49,909,601, plus strand): 5'-AGAAAATCCAGTTCCCCCCGAAGCAAGAGTCGCTGTTCCAAAAGTGAAGCCTGTCGTCTG[TGTGGCCGGAGTCTGG>T]GTGGCAAGTGAGAACAGGCCGGTGGAAGGGGTACTTGTGGCTGGTTGGAAGGGAGCCCCA-3'